The following is an entry in ClinVar:

ClinVar aggregate classification (germline): Conflicting classifications of pathogenicity. Review status: criteria provided, conflicting classifications (1 of 4 stars). 4 submissions from 4 submitters: Uncertain significance (1); Likely benign (2). 1 of the submissions does not count toward it. Last evaluated 2026-06-25.

Conditions:
ACADVL-related disorder. Also called: ACADVL-related condition.
Very long chain acyl-CoA dehydrogenase deficiency (ACADVLD). Also called: Very Long-Chain Acyl-Coenzyme A Dehydrogenase Deficiency; VLCAD Deficiency. Identifiers: Orphanet 26793, MedGen C3887523, MONDO:0008723, OMIM 201475.

Allele frequency attached by ClinVar (database versions not stated): gnomAD 0.00007 and 0.00008; gnomAD exomes 0.00010 and 0.00023; TOPMed 0.00015; ExAC 0.00021.
gnomAD v4.1: 172 of 1,614,122 alleles (0.011%); highest among the groups gnomAD compares: Middle Eastern, 0.049%; 1 homozygote.

Submissions (6):

PreventionGenetics, part of Exact Sciences
Classification: Likely benign for ACADVL-related condition. Last evaluated: 2026-06-25. Review status: criteria provided, single submitter. Criteria: ACMG Guidelines, 2015. Collection method: clinical testing. Allele origin: germline.
Comment: This variant is classified as likely benign based on ACMG/AMP sequence variant interpretation guidelines (Richards et al. 2015 PMID: 25741868, with internal and published modifications).

Labcorp Genetics (formerly Invitae), Labcorp
Classification: Likely benign for Very long chain acyl-CoA dehydrogenase deficiency. Last evaluated: 2024-07-12. Review status: criteria provided, single submitter. Criteria: Invitae Variant Classification Sherloc (09022015). Collection method: clinical testing. Allele origin: germline.

Illumina Laboratory Services, Illumina
Classification: Uncertain significance for Very long chain acyl-CoA dehydrogenase deficiency. Last evaluated: 2018-01-12. Review status: criteria provided, single submitter. Criteria: ICSL Variant Classification Criteria 13 December 2019. Collection method: clinical testing. Allele origin: germline.

Counsyl
Classification: Uncertain significance for Very long chain acyl-CoA dehydrogenase deficiency. Last evaluated: 2017-04-24. Review status: no assertion criteria provided. Collection method: clinical testing. Allele origin: unknown. Not counted in ClinVar's aggregate classification.

Dr. Peter K. Rogan Lab, Western University
No classification provided (evidence only). Condition: Acute myeloid leukemia. Review status: no classification provided. Collection method: in vitro. Allele origin: not applicable. Functional consequence: retained intron. Not counted in ClinVar's aggregate classification.

Dr. Peter K. Rogan Lab, Western University
No classification provided (evidence only). Condition: Ovarian serous cystadenocarcinoma. Review status: no classification provided. Collection method: in vitro. Allele origin: not applicable. Functional consequence: retained intron. Not counted in ClinVar's aggregate classification.

NM_000018.4(ACADVL):c.205-8C>G

Gene: ACADVL (acyl-CoA dehydrogenase very long chain; plus strand). Cytogenetic location: 17p13.1.
Variant type: single nucleotide variant.
Coding change: c.205-8C>G on transcript NM_000018.4 (MANE Select); 8 bases into the intron before coding-DNA position 205, C replaced by G.
Molecular consequence: intron variant.
Genome position (GRCh38, 1-based): chr17:7,220,596, C>G. VCF-style: chr17-7220596-C-G. GRCh37 (hg19) VCF-style: chr17-7123915-C-G.
Other names: c.274-8C>G (NM_001270447.2); c.-24-8C>G (NM_001270448.2); c.139-8C>G (NM_001033859.3).
Identifiers: ClinVar variation 324984 (VCV000324984.12), dbSNP rs774353448, ClinGen allele CA8337598.